The following is an entry in ClinVar:

ClinVar aggregate classification (germline): Uncertain significance (1 of 4 stars; one submission).

Conditions:
Hereditary sensory and autonomic neuropathy type 6. Also called: HSAN VI; Neuropathy, hereditary sensory and autonomic, type VI. Identifiers: Orphanet 314381, MedGen C3539003, MONDO:0013839, OMIM 614653.
Epidermolysis bullosa simplex 3, localized or generalized intermediate, with BP230 deficiency (EBS3). Also called: Epidermolysis bullosa simplex due to BP230 deficiency; Epidermolysis bullosa simplex, autosomal recessive 2. Identifiers: Orphanet 412181, MedGen C3809470, MONDO:0014180, OMIM 615425.

Allele frequency attached by ClinVar (database versions not stated): gnomAD exomes below 0.00001.
gnomAD v4.1: 1 of 1,613,756 alleles (0.000062%); highest among the groups gnomAD compares: Non-Finnish European, 0.000085%; no homozygotes.

Submission:

Labcorp Genetics (formerly Invitae), Labcorp
Classification: Uncertain significance for Epidermolysis bullosa simplex 3, localized or generalized intermediate, with BP230 deficiency; Hereditary sensory and autonomic neuropathy type 6. Last evaluated: 2022-10-03. Review status: criteria provided, single submitter. Criteria: Invitae Variant Classification Sherloc (09022015). Collection method: clinical testing. Allele origin: germline.
Comment: The DST gene has multiple clinically relevant transcripts. This variant occurs in alternate transcript NM_015548.4, and corresponds to NM_001723.5:c.*99927G>A in the primary transcript. This sequence change replaces alanine, which is neutral and non-polar, with threonine, which is neutral and polar, at codon 3523 of the DST protein (p.Ala3523Thr). This variant is not present in population databases (gnomAD no frequency). This variant has not been reported in the literature in individuals affected with DST-related conditions. Experimental studies and prediction algorithms are not available or were not evaluated, and the functional significance of this variant is currently unknown. In summary, the available evidence is currently insufficient to determine the role of this variant in disease. Therefore, it has been classified as a Variant of Uncertain Significance.

NM_001374736.1(DST):c.18436G>A (p.Ala6146Thr)

Gene: DST (dystonin; minus strand). Cytogenetic location: 6p12.1.
Variant type: single nucleotide variant.
Coding change: c.18436G>A on transcript NM_001374736.1 (MANE Select); coding-DNA position 18436, G replaced by A.
Protein change: p.Ala6146Thr; replaces alanine 6146 with threonine.
Molecular consequence: missense variant.
Genome position (GRCh38, 1-based): chr6:56,515,590, C>T on the plus strand (G>A on the coding strand, the complement: DST is on the minus strand). VCF-style: chr6-56515590-C-T. GRCh37 (hg19) VCF-style: chr6-56380388-C-T.
Other names: c.12079G>A, p.Ala4027Thr (NM_001144769.5); c.11665G>A, p.Ala3889Thr (NM_001144770.2); c.18436G>A, p.Ala6146Thr (NM_001374722.1); c.17476G>A, p.Ala5826Thr (NM_001374729.1); c.11218G>A, p.Ala3740Thr (NM_001374730.1); c.18463G>A, p.Ala6155Thr (NM_001374734.1); c.11545G>A, p.Ala3849Thr (NM_001386100.1, NM_183380.4); c.10567G>A, p.Ala3523Thr (NM_015548.5); short protein forms A6155T, A3523T, A3740T, A3849T, A3889T, A4027T, A5826T, A6146T.
Identifiers: ClinVar variation 2185782 (VCV002185782.4), dbSNP rs2096571597, ClinGen allele CA364503298.